The following is an entry in ClinVar:

ClinVar aggregate classification (germline): Uncertain significance (1 of 4 stars; one submission).

Conditions:
GNAS-related disorder. Identifiers: MedGen CN380105.

Submission:

PreventionGenetics, part of Exact Sciences
Classification: Uncertain significance for GNAS-related condition. Last evaluated: 2023-06-26. Review status: criteria provided, single submitter. Criteria: ACMG Guidelines, 2015. Collection method: clinical testing. Allele origin: germline.
Comment: The GNAS c.707A>C variant is predicted to result in the amino acid substitution p.Gln236Pro. To our knowledge, this variant has not been reported in the literature or in a large population database, indicating this variant is rare. At this time, the clinical significance of this variant is uncertain due to the absence of conclusive functional and genetic evidence.

NM_000516.7(GNAS):c.707A>C (p.Gln236Pro)

Gene: GNAS (GNAS complex locus; plus strand). Cytogenetic location: 20q13.32.
Variant type: single nucleotide variant.
Coding change: c.707A>C on transcript NM_000516.7 (MANE Select); coding-DNA position 707, A replaced by C.
Protein change: p.Gln236Pro; replaces glutamine 236 with proline.
Molecular consequence: missense variant. On other transcripts: 3 prime UTR variant (2).
Genome position (GRCh38, 1-based): chr20:58,909,568, A>C. VCF-style: chr20-58909568-A-C. GRCh37 (hg19) VCF-style: chr20-57484623-A-C.
Other names: c.*613A>C (NM_016592.5); c.2636A>C, p.Gln879Pro (NM_080425.4); c.665A>C, p.Gln222Pro (NM_080426.4); c.710A>C, p.Gln237Pro (NM_001077488.5); c.662A>C, p.Gln221Pro (NM_001077489.4); c.*568A>C (NM_001077490.3); c.530A>C, p.Gln177Pro (NM_001309840.2, NM_001309861.2); c.611A>C, p.Gln204Pro (NM_001410912.1); and 1 more; short protein forms Q177P, Q204P, Q221P, Q222P, Q236P, Q237P, Q864P, Q879P.
Identifiers: ClinVar variation 2632164 (VCV002632164.1), dbSNP rs2146279660, ClinGen allele CA409452362.